The following is an entry in ClinVar:

ClinVar aggregate classification (germline): Uncertain significance. Review status: criteria provided, multiple submitters, no conflicts (2 of 4 stars). 4 submissions from 4 submitters: Uncertain significance (4). Last evaluated 2025-08-05.

Conditions:
Muscular dystrophy-dystroglycanopathy (congenital with brain and eye anomalies), type A13. Also called: WALKER-WARBURG SYNDROME OR MUSCLE-EYE-BRAIN DISEASE, B3GNT1-RELATED; Muscular dystrophy-dystroglycanopathy (congenital with brain and eye anomalies), type a, 13. Identifiers: Orphanet 899, MedGen C3809042, MONDO:0014120, OMIM 615287.
Inborn genetic diseases. Identifiers: MedGen C0950123, MeSH D030342.

Allele frequency attached by ClinVar (database versions not stated): TOPMed 0.00007.

Submissions (4):

Ambry Genetics
Classification: Uncertain significance for Inborn genetic diseases. Last evaluated: 2025-08-05. Review status: criteria provided, single submitter. Criteria: Ambry Variant Classification Scheme 2023. Collection method: clinical testing. Allele origin: germline.

Mayo Clinic Laboratories, Mayo Clinic
Classification: Uncertain significance. Last evaluated: 2021-12-28. Review status: criteria provided, single submitter. Criteria: ACMG Guidelines, 2015. Collection method: clinical testing. Allele origin: germline.

Labcorp Genetics (formerly Invitae), Labcorp
Classification: Uncertain significance for Muscular dystrophy-dystroglycanopathy (congenital with brain and eye anomalies), type A13. Last evaluated: 2021-11-08. Review status: criteria provided, single submitter. Criteria: Invitae Variant Classification Sherloc (09022015). Collection method: clinical testing. Allele origin: germline.
Comment: This sequence change replaces methionine, which is neutral and non-polar, with isoleucine, which is neutral and non-polar, at codon 149 of the B4GAT1 protein (p.Met149Ile). The frequency data for this variant in the population databases is considered unreliable, as metrics indicate poor data quality at this position in the gnomAD database. This variant has not been reported in the literature in individuals affected with B4GAT1-related conditions. ClinVar contains an entry for this variant (Variation ID: 577279). Algorithms developed to predict the effect of missense changes on protein structure and function output the following: SIFT: "Tolerated"; PolyPhen-2: "Benign"; Align-GVGD: "Class C0". The isoleucine amino acid residue is found in multiple mammalian species, which suggests that this missense change does not adversely affect protein function. In summary, the available evidence is currently insufficient to determine the role of this variant in disease. Therefore, it has been classified as a Variant of Uncertain Significance.

GeneDx
Classification: Uncertain significance. Last evaluated: 2020-04-21. Review status: criteria provided, single submitter. Criteria: GeneDx Variant Classification Process June 2021. Collection method: clinical testing. Allele origin: germline. Affected: yes.
Comment: Not observed at a significant frequency in large population cohorts (Lek et al., 2016); In silico analysis, which includes protein predictors and evolutionary conservation, supports that this variant does not alter protein structure/function; Has not been previously published as pathogenic or benign to our knowledge

NM_006876.3(B4GAT1):c.447G>C (p.Met149Ile)

Gene: B4GAT1 (beta-1,4-glucuronyltransferase 1; minus strand). Cytogenetic location: 11q13.2.
Variant type: single nucleotide variant.
Coding change: c.447G>C on transcript NM_006876.3 (MANE Select); coding-DNA position 447, G replaced by C.
Protein change: p.Met149Ile; replaces methionine 149 with isoleucine.
Molecular consequence: missense variant.
Genome position (GRCh38, 1-based): chr11:66,347,099, C>G on the plus strand (G>C on the coding strand, the complement: B4GAT1 is on the minus strand). VCF-style: chr11-66347099-C-G. GRCh37 (hg19) VCF-style: chr11-66114570-C-G.
Other names: p.Met149Ile; short protein forms M149I.
Identifiers: ClinVar variation 577279 (VCV000577279.16), dbSNP rs374533716, ClinGen allele CA6120559.